The following is an entry in ClinVar:

ClinVar aggregate classification (germline): Likely benign (1 of 4 stars; one submission).

gnomAD v4.1: 18 of 1,165,489 alleles (0.0015%); highest among the groups gnomAD compares: Admixed American, 0.0059%; no homozygotes.

Submission:

CeGaT Center for Human Genetics Tuebingen
Classification: Likely benign. Last evaluated: 2026-09-01. Review status: criteria provided, single submitter. Criteria: CeGaT Center For Human Genetics Tuebingen Variant Classification Criteria Version 2. Collection method: clinical testing. Allele origin: germline. Affected: yes. Observed: 1 variant allele.
Comment: BCORL1: BP4, BS2

NM_001379451.1(BCORL1):c.3446G>A (p.Arg1149Gln)

Gene: BCORL1 (BCL6 corepressor like 1; plus strand). Cytogenetic location: Xq26.1.
Variant type: single nucleotide variant.
Coding change: c.3446G>A on transcript NM_001379451.1 (MANE Select); coding-DNA position 3446, G replaced by A.
Protein change: p.Arg1149Gln; replaces arginine 1149 with glutamine.
Molecular consequence: missense variant.
Genome position (GRCh38, 1-based): chrX:130,020,989, G>A. VCF-style: chrX-130020989-G-A. GRCh37 (hg19) VCF-style: chrX-129154964-G-A.
Other names: c.3446G>A, p.Arg1149Gln (NM_001184772.3, NM_001379450.1, NM_001441326.1 and 7 more transcripts); short protein forms R1149Q.
Identifiers: ClinVar variation 5041070 (VCV005041070.1).